The following is an entry in ClinVar:

ClinVar aggregate classification (germline): Likely benign. Review status: criteria provided, multiple submitters, no conflicts (2 of 4 stars). 4 submissions from 4 submitters: Likely benign (4). Last evaluated 2026-06-01.

Conditions:
RYR1-related disorder. Also called: RYR1-related condition; RYR1-related disorders. Identifiers: MedGen CN239331.
Malignant hyperthermia, susceptibility to, 1 (MHS1). Also called: RYR1-Related Malignant Hyperthermia Susceptibility; Anesthesia related hyperthermia; Malignant hyperpyrexia; Fulminating hyperpyrexia; Pharmacogenic myopathy; Malignant hyperthermia suceptibility 1. Identifiers: Orphanet 423, MedGen C2930980, MONDO:0007783, OMIM 145600.

Allele frequency attached by ClinVar (database versions not stated): gnomAD 0.00001 and 0.00003; TOPMed 0.00004; ExAC 0.00006; 1000 Genomes Project 30x 0.00031; 1000 Genomes Project 0.00040.
gnomAD v4.1: 22 of 1,613,168 alleles (0.0014%); highest among the groups gnomAD compares: East Asian, 0.027%; no homozygotes.

Submissions (4):

CeGaT Center for Human Genetics Tuebingen
Classification: Likely benign. Last evaluated: 2026-06-01. Review status: criteria provided, single submitter. Criteria: CeGaT Center For Human Genetics Tuebingen Variant Classification Criteria Version 2. Collection method: clinical testing. Allele origin: germline. Affected: yes. Observed: 1 variant allele.
Comment: RYR1: BP4, BP7

Labcorp Genetics (formerly Invitae), Labcorp
Classification: Likely benign for RYR1-related disorder. Last evaluated: 2025-11-07. Review status: criteria provided, single submitter. Criteria: Invitae Variant Classification Sherloc (09022015). Collection method: clinical testing. Allele origin: germline.

All of Us Research Program, National Institutes of Health
Classification: Likely benign for Malignant hyperthermia, susceptibility to, 1. Last evaluated: 2023-09-17. Review status: criteria provided, single submitter. Criteria: ACMG Guidelines, 2015. Collection method: clinical testing. Allele origin: germline. Inheritance: Autosomal dominant inheritance. Observed: 5 variant alleles, 5 heterozygotes.
Comment: This study involves interpretation of variants in research participants for the purpose of population health screening. Participant phenotype was not available at the time of variant classification. Additional details can be found in publication PMID: 35346344, PMCID: PMC8962531

Color Diagnostics, LLC DBA Color Health
Classification: Likely benign for Malignant hyperthermia, susceptibility to, 1. Last evaluated: 2022-04-29. Review status: criteria provided, single submitter. Criteria: ACMG Guidelines, 2015. Collection method: clinical testing. Allele origin: germline.

NM_000540.3(RYR1):c.12084G>A (p.Ser4028=)

Gene: RYR1 (ryanodine receptor 1; plus strand). Cytogenetic location: 19q13.2.
Variant type: single nucleotide variant.
Coding change: c.12084G>A on transcript NM_000540.3 (MANE Select); coding-DNA position 12084, G replaced by A.
Protein change: p.Ser4028=; no amino-acid change (serine 4028 retained).
Molecular consequence: synonymous variant.
Genome position (GRCh38, 1-based): chr19:38,546,516, G>A. VCF-style: chr19-38546516-G-A. GRCh37 (hg19) VCF-style: chr19-39037156-G-A.
Other names: c.12069G>A, p.Ser4023= (NM_001042723.2).
Identifiers: ClinVar variation 1087051 (VCV001087051.12), dbSNP rs571477269, ClinGen allele CA058161.